The following is an entry in ClinVar:

ClinVar aggregate classification (germline): Uncertain significance. Review status: criteria provided, multiple submitters, no conflicts (2 of 4 stars). 2 submissions from 2 submitters: Uncertain significance (2). Last evaluated 2025-06-25.

Conditions:
Inborn genetic diseases. Identifiers: MedGen C0950123, MeSH D030342.
Fanconi anemia (FA). Also called: Fanconi's anemia. Identifiers: Orphanet 84, MedGen C0015625, MeSH D005199, MONDO:0019391.

gnomAD v4.1: 2 of 1,602,474 alleles (0.00012%); highest among the groups gnomAD compares: African/African-American, 0.0013%; no homozygotes.

Submissions (2):

Ambry Genetics
Classification: Uncertain significance for Inborn genetic diseases. Last evaluated: 2025-06-25. Review status: criteria provided, single submitter. Criteria: Ambry Variant Classification Scheme 2023. Collection method: clinical testing. Allele origin: germline.
Comment: The p.A1523G variant (also known as c.4568C>G), located in coding exon 18 of the FANCM gene, results from a C to G substitution at nucleotide position 4568. The alanine at codon 1523 is replaced by glycine, an amino acid with similar properties. This amino acid position is conserved. In addition, this alteration is predicted to be tolerated by in silico analysis. Based on the available evidence, the clinical significance of this variant remains unclear.

Labcorp Genetics (formerly Invitae), Labcorp
Classification: Uncertain significance for Fanconi anemia. Last evaluated: 2024-10-26. Review status: criteria provided, single submitter. Criteria: Invitae Variant Classification Sherloc (09022015). Collection method: clinical testing. Allele origin: germline.
Comment: This sequence change replaces alanine, which is neutral and non-polar, with glycine, which is neutral and non-polar, at codon 1523 of the FANCM protein (p.Ala1523Gly). The frequency data for this variant in the population databases is considered unreliable, as metrics indicate poor data quality at this position in the gnomAD database. This variant has not been reported in the literature in individuals affected with FANCM-related conditions. ClinVar contains an entry for this variant (Variation ID: 1399540). An algorithm developed to predict the effect of missense changes on protein structure and function outputs the following: PolyPhen-2: "Benign". The glycine amino acid residue is found in multiple mammalian species, which suggests that this missense change does not adversely affect protein function. In summary, the available evidence is currently insufficient to determine the role of this variant in disease. Therefore, it has been classified as a Variant of Uncertain Significance.

NM_020937.4(FANCM):c.4568C>G (p.Ala1523Gly)

Gene: FANCM (FA complementation group M; plus strand). Cytogenetic location: 14q21.2.
Variant type: single nucleotide variant.
Coding change: c.4568C>G on transcript NM_020937.4 (MANE Select); coding-DNA position 4568, C replaced by G.
Protein change: p.Ala1523Gly; replaces alanine 1523 with glycine.
Molecular consequence: missense variant.
Genome position (GRCh38, 1-based): chr14:45,185,269, C>G. VCF-style: chr14-45185269-C-G. GRCh37 (hg19) VCF-style: chr14-45654472-C-G.
Other names: c.4490C>G, p.Ala1497Gly (NM_001308133.2); c.4568C>G (NM_020937.2); short protein forms A1497G, A1523G.
Identifiers: ClinVar variation 1399540 (VCV001399540.7), dbSNP rs960743288, ClinGen allele CA259634558.